The following is an entry in ClinVar:

NM_006059.4(LAMC3):c.4338G>A (p.Ala1446=)

Gene: LAMC3 (laminin subunit gamma 3; plus strand). Cytogenetic location: 9q34.12.
Variant type: single nucleotide variant.
Coding change: c.4338G>A on transcript NM_006059.4 (MANE Select); coding-DNA position 4338, G replaced by A.
Protein change: p.Ala1446=; no amino-acid change (alanine 1446 retained).
Molecular consequence: synonymous variant.
Genome position (GRCh38, 1-based): chr9:131,087,583, G>A. VCF-style: chr9-131087583-G-A. GRCh37 (hg19) VCF-style: chr9-133962970-G-A.
Identifiers: ClinVar variation 435732 (VCV000435732.40), dbSNP rs375730811, ClinGen allele CA5288133.

ClinVar aggregate classification (germline): Likely benign. Review status: criteria provided, multiple submitters, no conflicts (2 of 4 stars). 5 submissions from 5 submitters: Likely benign (4). 1 of the submissions does not count toward it. Last evaluated 2026-01-15.

Conditions:
LAMC3-related disorder. Also called: LAMC3-related condition.

Allele frequency attached by ClinVar (database versions not stated): 1000 Genomes Project 30x 0.00016; 1000 Genomes Project 0.00020; ExAC 0.00027; gnomAD exomes 0.00029 and 0.00030; TOPMed 0.00034; gnomAD 0.00041; ESP Exome Variant Server 0.00046.
gnomAD v4.1: 494 of 1,614,006 alleles (0.031%); highest among the groups gnomAD compares: Non-Finnish European, 0.038%; no homozygotes.

Submissions (5):

Labcorp Genetics (formerly Invitae), Labcorp
Classification: Likely benign. Last evaluated: 2026-01-15. Review status: criteria provided, single submitter. Criteria: Invitae Variant Classification Sherloc (09022015). Collection method: clinical testing. Allele origin: germline.

CeGaT Center for Human Genetics Tuebingen
Classification: Likely benign. Last evaluated: 2023-02-01. Review status: criteria provided, single submitter. Criteria: CeGaT Center For Human Genetics Tuebingen Variant Classification Criteria Version 2. Collection method: clinical testing. Allele origin: germline. Affected: yes. Observed: 1 variant allele.
Comment: LAMC3: BP4, BP7

GeneDx
Classification: Likely benign. Last evaluated: 2017-11-28. Review status: criteria provided, single submitter. Criteria: GeneDx Variant Classification (06012015). Collection method: clinical testing. Allele origin: germline. Affected: yes.
Comment: This variant is considered likely benign or benign based on one or more of the following criteria: it is a conservative change, it occurs at a poorly conserved position in the protein, it is predicted to be benign by multiple in silico algorithms, and/or has population frequency not consistent with disease.

Genetic Services Laboratory, University of Chicago
Classification: Likely benign. Last evaluated: 2016-06-03. Review status: criteria provided, single submitter. Criteria: ACMG Guidelines, 2015. Collection method: clinical testing. Allele origin: germline. Affected: no.

PreventionGenetics, part of Exact Sciences
Classification: Likely benign for LAMC3-related condition. Last evaluated: 2022-09-07. Review status: no assertion criteria provided. Collection method: clinical testing. Allele origin: germline. Not counted in ClinVar's aggregate classification.
Comment: This variant is classified as likely benign based on ACMG/AMP sequence variant interpretation guidelines (Richards et al. 2015 PMID: 25741868, with internal and published modifications).